The following continues an entry in ClinVar:

NM_000257.4(MYH7):c.2717A>G (p.Asp906Gly)

Gene: MYH7. ClinVar aggregate classification (germline): Pathogenic. Pathogenic (1).

Submissions 18 to 21 of 21:

Laboratory for Molecular Medicine, Mass General Brigham Personalized Medicine
Classification: Pathogenic for Hypertrophic cardiomyopathy. Last evaluated: 2019-04-05. Review status: criteria provided, single submitter. Criteria: ACMG Guidelines, 2015. Collection method: clinical testing. Allele origin: germline. Inheritance: Autosomal dominant inheritance. Not counted in ClinVar's aggregate classification.
Comment: The p.Asp906Gly variant in MYH7 has been identified in >15 individuals with HCM and segregated with disease in >10 affected relatives from 2 families, although reduced penetrance was noted in both families (Ho 2002, Alpert 2005, Arad 2005, Kapplinger 2014, LMM data). It has been identified in 1/246244 of European chromosomes by the Genome Aggregation Database (gnomAD; dbSNP rs267606908). This low frequency is consistent with the prevalence and penetrance of the condition in the general population. In vitro functional studies provide some evidence that the p.Asp906Gly variant may impact protein function (Alpert 2005). In addition, the p.Asp906Gly variant was predicted to be pathogenic using a computational tool clinically validated by our laboratory. This tool's pathogenic prediction is estimated to be correct 94% of the time (Jordan 2011). In summary, this variant meets criteria to be classified as pathogenic for HCM in an autosomal dominant manner based upon segregation studies, low frequency in the general population and functional evidence. The ACMG/AMP criteria applied: PS4, PM2, PP1_Strong, PP3.

Eurofins Ntd Llc (ga)
Classification: Pathogenic. Last evaluated: 2018-05-25. Review status: criteria provided, single submitter. Criteria: EGL ClinVar v180209 classification definitions. Collection method: clinical testing. Allele origin: germline. Observed: 1 variant allele, 1 heterozygote. Not counted in ClinVar's aggregate classification.

Stanford Center for Inherited Cardiovascular Disease, Stanford University
Classification: Pathogenic. Last evaluated: 2012-01-16. Review status: criteria provided, single submitter. Criteria: ACMG Guidelines, 2015. Collection method: provider interpretation. Allele origin: germline. Not counted in ClinVar's aggregate classification.

OMIM
Classification: Pathogenic for CARDIOMYOPATHY, FAMILIAL HYPERTROPHIC, 1. Last evaluated: 2005-11-01. Review status: no assertion criteria provided. Collection method: literature only. Allele origin: germline. Not counted in ClinVar's aggregate classification.

Literature cited by the submitters: PubMed 15528230 (cited by 9 submitters); PubMed 24510615 (cited by 7 submitters); PubMed 16267253 (cited by 7 submitters); PubMed 12081993 (cited by 9 submitters); PubMed 27532257 (cited by 5 submitters); PubMed 29300372 (cited by ClinGen Cardiomyopathy Variant Curation Expert Panel and Victorian Clinical Genetics Services, Murdoch Childrens Research Institute); PubMed 24704860 (cited by 4 submitters); PubMed 18761664 (cited by Ambry Genetics and Women's Health and Genetics/Laboratory Corporation of America, LabCorp); PubMed 21310275 (cited by Ambry Genetics and Laboratory for Molecular Medicine, Mass General Brigham Personalized Medicine); PubMed 23054336 (cited by Ambry Genetics and Women's Health and Genetics/Laboratory Corporation of America, LabCorp); PubMed 25351510 (cited by Ambry Genetics); PubMed 26914223 (cited by Ambry Genetics); PubMed 28193612 (cited by Ambry Genetics); PubMed 28241245 (cited by Ambry Genetics); PubMed 28481356 (cited by 3 submitters); PubMed 28606303 (cited by Ambry Genetics); PubMed 33495597 (cited by All of Us Research Program, National Institutes of Health and Color Diagnostics, LLC DBA Color Health); PubMed 35026164 (cited by All of Us Research Program, National Institutes of Health and Color Diagnostics, LLC DBA Color Health); PubMed 24714796 (cited by Victorian Clinical Genetics Services, Murdoch Childrens Research Institute); PubMed 27247418 (cited by Eurofins Ntd Llc (ga)).